The following is an entry in ClinVar:

ClinVar aggregate classification (germline): Uncertain significance (1 of 4 stars; one submission).

Conditions:
Catecholaminergic polymorphic ventricular tachycardia 1. Also called: VENTRICULAR TACHYCARDIA, CATECHOLAMINERGIC POLYMORPHIC, 1, WITH OR WITHOUT ATRIAL DYSFUNCTION AND/OR DILATED CARDIOMYOPATHY; RYR2-Related Catecholaminergic Polymorphic Ventricular Tachycardia; VENTRICULAR TACHYCARDIA, STRESS-INDUCED POLYMORPHIC 1. Identifiers: Orphanet 3286, MedGen C1631597, MONDO:0011484, OMIM 604772.

Submission:

Labcorp Genetics (formerly Invitae), Labcorp
Classification: Uncertain significance for Catecholaminergic polymorphic ventricular tachycardia 1. Last evaluated: 2022-04-07. Review status: criteria provided, single submitter. Criteria: Invitae Variant Classification Sherloc (09022015). Collection method: clinical testing. Allele origin: germline.
Comment: This variant is not present in population databases (gnomAD no frequency). This sequence change replaces methionine, which is neutral and non-polar, with arginine, which is basic and polar, at codon 4817 of the RYR2 protein (p.Met4817Arg). This variant has not been reported in the literature in individuals affected with RYR2-related conditions. Advanced modeling of protein sequence and biophysical properties (such as structural, functional, and spatial information, amino acid conservation, physicochemical variation, residue mobility, and thermodynamic stability) performed at Invitae indicates that this missense variant is expected to disrupt RYR2 protein function. Algorithms developed to predict the effect of sequence changes on RNA splicing suggest that this variant may create or strengthen a splice site. In summary, the available evidence is currently insufficient to determine the role of this variant in disease. Therefore, it has been classified as a Variant of Uncertain Significance.

NM_001035.3(RYR2):c.14450T>G (p.Met4817Arg)

Gene: RYR2 (ryanodine receptor 2; plus strand). Cytogenetic location: 1q43.
Variant type: single nucleotide variant.
Coding change: c.14450T>G on transcript NM_001035.3 (MANE Select); coding-DNA position 14450, T replaced by G.
Protein change: p.Met4817Arg; replaces methionine 4817 with arginine.
Molecular consequence: missense variant.
Genome position (GRCh38, 1-based): chr1:237,819,052, T>G. VCF-style: chr1-237819052-T-G. GRCh37 (hg19) VCF-style: chr1-237982352-T-G.
Other names: short protein forms M4817R.
Identifiers: ClinVar variation 2122393 (VCV002122393.4), dbSNP rs2528295066, ClinGen allele CA345426022.